The following is an entry in ClinVar:

ClinVar aggregate classification (germline): Conflicting classifications of pathogenicity. Review status: criteria provided, conflicting classifications (1 of 4 stars). 9 submissions from 9 submitters: Uncertain significance (1); Likely benign (6). 2 of the submissions do not count toward it. Last evaluated 2026-01-30.

Conditions:
Autosomal recessive limb-girdle muscular dystrophy type 2F (LGMDR6). Also called: MUSCULAR DYSTROPHY, LIMB-GIRDLE, AUTOSOMAL RECESSIVE 6; Muscular dystrophy limb-girdle with delta-sarcoglyan deficiency. Identifiers: Orphanet 219, MedGen C1832525, MONDO:0011028, OMIM 601287. Disease mechanism: Affects gamma-sarcoglycan and also disrupts the integrity of the entire sarcoglycan complex..
Qualitative or quantitative defects of delta-sarcoglycan. Identifiers: Orphanet 207070, MedGen C5680806, MONDO:0016144.
Inborn genetic diseases. Identifiers: MedGen C0950123, MeSH D030342.

Allele frequency attached by ClinVar (database versions not stated): gnomAD exomes 0.00004 and 0.00006; TOPMed 0.00006; ExAC 0.00007; gnomAD 0.00009; 1000 Genomes Project 30x 0.00016; ESP Exome Variant Server 0.00016.
gnomAD v4.1: 103 of 1,613,654 alleles (0.0064%); highest among the groups gnomAD compares: East Asian, 0.0089%; no homozygotes.

Submissions (9):

Labcorp Genetics (formerly Invitae), Labcorp
Classification: Likely benign for Autosomal recessive limb-girdle muscular dystrophy type 2F. Last evaluated: 2026-01-30. Review status: criteria provided, single submitter. Criteria: Invitae Variant Classification Sherloc (09022015). Collection method: clinical testing. Allele origin: germline.

Mayo Clinic Laboratories, Mayo Clinic
Classification: Likely benign. Last evaluated: 2025-07-10. Review status: criteria provided, single submitter. Criteria: ACMG Guidelines, 2015. Collection method: clinical testing. Allele origin: germline. Observed: 1 variant allele.
Comment: BP4, BP7

Blueprint Genetics
Classification: Likely benign. Last evaluated: 2024-10-09. Review status: criteria provided, single submitter. Criteria: ACMG Guidelines, 2015. Collection method: clinical testing. Allele origin: germline.

Ambry Genetics
Classification: Likely benign for Inborn genetic diseases. Last evaluated: 2022-08-22. Review status: criteria provided, single submitter. Criteria: Ambry Variant Classification Scheme 2023. Collection method: clinical testing. Allele origin: germline.

ARUP Laboratories, Molecular Genetics and Genomics, ARUP Laboratories
Classification: Likely benign. Last evaluated: 2019-10-18. Review status: criteria provided, single submitter. Criteria: ARUP Molecular Germline Variant Investigation Process. Collection method: clinical testing. Allele origin: germline.

Illumina Laboratory Services, Illumina
Classification: Uncertain significance for Qualitative or quantitative defects of delta-sarcoglycan. Last evaluated: 2018-01-13. Review status: criteria provided, single submitter. Criteria: ICSL Variant Classification Criteria 13 December 2019. Collection method: clinical testing. Allele origin: germline.

GeneDx
Classification: Likely benign. Last evaluated: 2015-10-08. Review status: criteria provided, single submitter. Criteria: GeneDx Variant Classification (06012015). Collection method: clinical testing. Allele origin: germline. Affected: yes.
Comment: This variant is considered likely benign or benign based on one or more of the following criteria: it is a conservative change, it occurs at a poorly conserved position in the protein, it is predicted to be benign by multiple in silico algorithms, and/or has population frequency not consistent with disease.

Genome Diagnostics Laboratory, University Medical Center Utrecht
Classification: Likely benign. Review status: no assertion criteria provided. Collection method: clinical testing. Allele origin: germline. Affected: yes. Study: VKGL Data-share Consensus. Not counted in ClinVar's aggregate classification.

Joint Genome Diagnostic Labs from Nijmegen and Maastricht, Radboudumc and MUMC+
Classification: Likely benign. Review status: no assertion criteria provided. Collection method: clinical testing. Allele origin: germline. Affected: yes. Study: VKGL Data-share Consensus. Not counted in ClinVar's aggregate classification.

NM_000337.6(SGCD):c.717G>A (p.Ala239=)

Gene: SGCD (sarcoglycan delta; plus strand). Cytogenetic location: 5q33.3.
Variant type: single nucleotide variant.
Coding change: c.717G>A on transcript NM_000337.6 (MANE Select); coding-DNA position 717, G replaced by A.
Protein change: p.Ala239=; no amino-acid change (alanine 239 retained).
Molecular consequence: synonymous variant.
Genome position (GRCh38, 1-based): chr5:156,759,234, G>A. VCF-style: chr5-156759234-G-A. GRCh37 (hg19) VCF-style: chr5-156186245-G-A.
Other names: p.Ala239=; c.714G>A, p.Ala238= (NM_001128209.2).
Identifiers: ClinVar variation 378577 (VCV000378577.27), dbSNP rs145430692, ClinGen allele CA3530684.